The following is an entry in ClinVar:

NM_005475.3(SH2B3):c.652C>A (p.Gln218Lys)

Gene: SH2B3 (SH2B adaptor protein 3; plus strand). Cytogenetic location: 12q24.12.
Variant type: single nucleotide variant.
Coding change: c.652C>A on transcript NM_005475.3 (MANE Select); coding-DNA position 652, C replaced by A.
Protein change: p.Gln218Lys; replaces glutamine 218 with lysine.
Molecular consequence: missense variant.
Genome position (GRCh38, 1-based): chr12:111,418,797, C>A. VCF-style: chr12-111418797-C-A. GRCh37 (hg19) VCF-style: chr12-111856601-C-A.
Other names: short protein forms Q218K.
Identifiers: ClinVar variation 2555922 (VCV002555922.3), dbSNP rs2500032872, ClinGen allele CA386720747.

ClinVar aggregate classification (germline): Uncertain significance (1 of 4 stars; one submission).

Conditions:
Inborn genetic diseases. Identifiers: MedGen C0950123, MeSH D030342.

Allele frequency attached by ClinVar (database versions not stated): gnomAD exomes below 0.00001.
gnomAD v4.1: 1 of 1,453,004 alleles (0.000069%); highest among the groups gnomAD compares: Non-Finnish European, 0.00009%; no homozygotes.

Submission:

Ambry Genetics
Classification: Uncertain significance for Inborn genetic diseases. Last evaluated: 2025-05-17. Review status: criteria provided, single submitter. Criteria: Ambry Variant Classification Scheme 2023. Collection method: clinical testing. Allele origin: germline.
Comment: The p.Q218K variant (also known as c.652C>A), located in coding exon 1 of the SH2B3 gene, results from a C to A substitution at nucleotide position 652. The glutamine at codon 218 is replaced by lysine, an amino acid with similar properties. This amino acid position is conserved. In addition, this alteration is predicted to be tolerated by in silico analysis. Based on the available evidence, the clinical significance of this variant remains unclear.